The following is an entry in ClinVar:

ClinVar aggregate classification (germline): Benign/Likely benign. Review status: criteria provided, multiple submitters, no conflicts (2 of 4 stars). 3 submissions from 3 submitters: Benign (1); Likely benign (2). Last evaluated 2026-03-11.

Conditions:
EHMT1-related disorder. Also called: EHMT1-related condition.
Kleefstra syndrome 1 (KLEFS1). Identifiers: Orphanet 261494, MedGen C0795833, MONDO:0027407, OMIM 610253.

gnomAD v4.1: 46 of 1,612,886 alleles (0.0029%); highest among the groups gnomAD compares: South Asian, 0.011%; no homozygotes.

Submissions (3):

PreventionGenetics, part of Exact Sciences
Classification: Likely benign for EHMT1-related condition. Last evaluated: 2026-03-11. Review status: criteria provided, single submitter. Criteria: ACMG Guidelines, 2015. Collection method: clinical testing. Allele origin: germline.
Comment: This variant is classified as likely benign based on ACMG/AMP sequence variant interpretation guidelines (Richards et al. 2015 PMID: 25741868, with internal and published modifications).

Labcorp Genetics (formerly Invitae), Labcorp
Classification: Benign for Kleefstra syndrome 1. Last evaluated: 2025-10-02. Review status: criteria provided, single submitter. Criteria: Invitae Variant Classification Sherloc (09022015). Collection method: clinical testing. Allele origin: germline.

CeGaT Center for Human Genetics Tuebingen
Classification: Likely benign. Last evaluated: 2024-11-01. Review status: criteria provided, single submitter. Criteria: CeGaT Center For Human Genetics Tuebingen Variant Classification Criteria Version 2. Collection method: clinical testing. Allele origin: germline. Affected: yes. Observed: 1 variant allele.
Comment: EHMT1: BP4, BS2

NM_024757.5(EHMT1):c.229G>A (p.Ala77Thr)

Gene: EHMT1 (euchromatic histone lysine methyltransferase 1; plus strand). Cytogenetic location: 9q34.3.
Variant type: single nucleotide variant.
Coding change: c.229G>A on transcript NM_024757.5 (MANE Select); coding-DNA position 229, G replaced by A.
Protein change: p.Ala77Thr; replaces alanine 77 with threonine.
Molecular consequence: missense variant.
Genome position (GRCh38, 1-based): chr9:137,716,769, G>A. VCF-style: chr9-137716769-G-A. GRCh37 (hg19) VCF-style: chr9-140611221-G-A.
Other names: c.229G>A, p.Ala77Thr (NM_001145527.2, NM_001354263.2, NM_001354611.2); c.136G>A, p.Ala46Thr (NM_001354259.2, NM_001354612.2); c.229G>A (NM_024757.4); short protein forms A46T, A77T.
Identifiers: ClinVar variation 1167802 (VCV001167802.24), dbSNP rs768764806, ClinGen allele CA5374229.